The following is an entry in ClinVar:

NM_000292.3(PHKA2):c.1520C>T (p.Thr507Ile)

Gene: PHKA2 (phosphorylase kinase regulatory subunit alpha 2; minus strand). Cytogenetic location: Xp22.13.
Variant type: single nucleotide variant.
Coding change: c.1520C>T on transcript NM_000292.3 (MANE Select); coding-DNA position 1520, C replaced by T.
Protein change: p.Thr507Ile; replaces threonine 507 with isoleucine.
Molecular consequence: missense variant.
Genome position (GRCh38, 1-based): chrX:18,925,717, G>A on the plus strand (C>T on the coding strand, the complement: PHKA2 is on the minus strand). VCF-style: chrX-18925717-G-A. GRCh37 (hg19) VCF-style: chrX-18943835-G-A.
Other names: short protein forms T507I.
Identifiers: ClinVar variation 3720051 (VCV003720051.2).

ClinVar aggregate classification (germline): Uncertain significance (1 of 4 stars; one submission).

Conditions:
Glycogen storage disease IXa1. Also called: LIVER GLYCOGENOSIS, X-LINKED, TYPE I; GLYCOGEN STORAGE DISEASE VIII; GSD VIII; Glycogen storage disease 8. Identifiers: Orphanet 264580, MedGen C3694531, MONDO:0010598, OMIM 306000.

Submission:

Labcorp Genetics (formerly Invitae), Labcorp
Classification: Uncertain significance for Glycogen storage disease IXa1. Last evaluated: 2025-01-27. Review status: criteria provided, single submitter. Criteria: Invitae Variant Classification Sherloc (09022015). Collection method: clinical testing. Allele origin: germline.
Comment: This sequence change replaces threonine, which is neutral and polar, with isoleucine, which is neutral and non-polar, at codon 507 of the PHKA2 protein (p.Thr507Ile). This variant is not present in population databases (gnomAD no frequency). This variant has not been reported in the literature in individuals affected with PHKA2-related conditions. Invitae Evidence Modeling of protein sequence and biophysical properties (such as structural, functional, and spatial information, amino acid conservation, physicochemical variation, residue mobility, and thermodynamic stability) indicates that this missense variant is expected to disrupt PHKA2 protein function with a positive predictive value of 80%. In summary, the available evidence is currently insufficient to determine the role of this variant in disease. Therefore, it has been classified as a Variant of Uncertain Significance.